The following is an entry in ClinVar:

NM_000287.4(PEX6):c.1552del (p.Ala518fs)

Gene: PEX6 (peroxisomal biogenesis factor 6; minus strand). Cytogenetic location: 6p21.1.
Variant type: Deletion.
Coding change: c.1552del on transcript NM_000287.4 (MANE Select); coding-DNA position 1552, one base deleted (G; older notation c.1552delG).
Protein change: p.Ala518fs; shifts the reading frame from alanine 518.
Molecular consequence: frameshift variant. On other transcripts: non-coding transcript variant (1).
Genome position (GRCh38, 1-based): chr6:42,968,426, C deleted on the plus strand (G on the coding strand, the reverse complement: PEX6 is on the minus strand); the first of 3 consecutive C bases (chr6:42,968,426-42,968,428); deleting any one gives the same sequence. VCF-style (leftmost placement, unchanged base first): chr6-42968425-GC-G. GRCh37 (hg19) VCF-style: chr6-42936163-GC-G.
Other names: c.1288del, p.Ala430fs (NM_001316313.2); short protein forms A430fs, A518fs.
Identifiers: ClinVar variation 5013872 (VCV005013872.1).

ClinVar aggregate classification (germline): Pathogenic (1 of 4 stars; one submission).

Conditions:
Peroxisome biogenesis disorder. Identifiers: Orphanet 79189, MedGen C1832200, MONDO:0019234. Disease mechanism: loss of function.

Submission:

Myriad Genetics, Inc.
Classification: Pathogenic for Peroxisome biogenesis disorder. Last evaluated: 2024-12-19. Review status: criteria provided, single submitter. Criteria: Myriad Autosomal Dominant, Autosomal Recessive and X-Linked Classification Criteria (2023). Collection method: clinical testing. Allele origin: unknown.
Comment: NM_000287.3(PEX6):c.1552delG(A518Pfs*30) is expected to be pathogenic in the context of peroxisome biogenesis disorder type 4. This variant is predicted to lead to an abnormal or absent protein product due to the creation of a premature termination codon in PEX6, a gene where loss-of-function variants are known to be pathogenic. Please note: this variant was assessed in the context of healthy population screening.